The following is an entry in ClinVar:

NM_000702.4(ATP1A2):c.215G>A (p.Arg72Gln)

Gene: ATP1A2 (ATPase Na+/K+ transporting subunit alpha 2; plus strand). Cytogenetic location: 1q23.2.
Variant type: single nucleotide variant.
Coding change: c.215G>A on transcript NM_000702.4 (MANE Select); coding-DNA position 215, G replaced by A.
Protein change: p.Arg72Gln; replaces arginine 72 with glutamine.
Molecular consequence: missense variant.
Genome position (GRCh38, 1-based): chr1:160,123,250, G>A. VCF-style: chr1-160123250-G-A. GRCh37 (hg19) VCF-style: chr1-160093040-G-A.
Other names: c.215G>A (NM_000702.3); short protein forms R72Q.
Identifiers: ClinVar variation 1486680 (VCV001486680.7), dbSNP rs779812635, ClinGen allele CA343230536.

ClinVar aggregate classification (germline): Uncertain significance. Review status: criteria provided, multiple submitters, no conflicts (2 of 4 stars). 2 submissions from 2 submitters: Uncertain significance (2). Last evaluated 2023-08-04.

Conditions:
Developmental and epileptic encephalopathy 98. Identifiers: MedGen C5562017, MONDO:0030472, OMIM 619605.
Familial hemiplegic migraine. Identifiers: MedGen C0338484, MONDO:0000700.

Allele frequency attached by ClinVar (database versions not stated): gnomAD exomes below 0.00001; TOPMed below 0.00001.
gnomAD v4.1: 6 of 1,614,194 alleles (0.00037%); highest among the groups gnomAD compares: Non-Finnish European, 0.00051%; no homozygotes.

Submissions (2):

Labcorp Genetics (formerly Invitae), Labcorp
Classification: Uncertain significance for Familial hemiplegic migraine. Last evaluated: 2023-08-04. Review status: criteria provided, single submitter. Criteria: Invitae Variant Classification Sherloc (09022015). Collection method: clinical testing. Allele origin: germline.
Comment: This sequence change replaces arginine, which is basic and polar, with glutamine, which is neutral and polar, at codon 72 of the ATP1A2 protein (p.Arg72Gln). This variant is present in population databases (no rsID available, gnomAD 0.0009%). In summary, the available evidence is currently insufficient to determine the role of this variant in disease. Therefore, it has been classified as a Variant of Uncertain Significance. Advanced modeling of protein sequence and biophysical properties (such as structural, functional, and spatial information, amino acid conservation, physicochemical variation, residue mobility, and thermodynamic stability) performed at Invitae indicates that this missense variant is not expected to disrupt ATP1A2 protein function. ClinVar contains an entry for this variant (Variation ID: 1486680). This variant has not been reported in the literature in individuals affected with ATP1A2-related conditions.

Victorian Clinical Genetics Services, Murdoch Childrens Research Institute
Classification: Uncertain significance for Developmental and epileptic encephalopathy 98. Last evaluated: 2022-09-02. Review status: criteria provided, single submitter. Criteria: ACMG Guidelines, 2015. Collection method: clinical testing. Allele origin: germline. Inheritance: Autosomal dominant inheritance. Affected: yes.
Comment: Based on the classification scheme VCGS_Germline_v1.3.4, this variant is classified as VUS-3C. Following criteria are met: 0102 - Loss of function is a known mechanism of disease in this gene and is associated with autosomal recessive fetal akinesia, respiratory insufficiency, microcephaly, polymicrogyria, and dysmorphic facies (MIM#619602). While functional studies have demonstrated loss of function for variants associated with autosomal dominant alternating hemiplegia of childhood 1 (AHC; MIM#104290), familial basilar migraine, (MIM#602481), familial hemiplegic migraine 2 (FHM2; MIM#602481) and developmental and epileptic encephalopathy 98 (MIM#619605), dominant negative has not been definitively ruled out (PMID: 27445835, 33880529). (I) 0108 - This gene is associated with both recessive and dominant disease. However, the genotype-phenotype correlation in terms of location or variant types is currently unestablished (PMID: 19455354, 33880529). (I) 0200 - Variant is predicted to result in a missense amino acid change from arginine to glutamine. (I) 0251 - This variant is heterozygous. (I) 0304 - Variant is present in gnomAD <0.01 (v2: 1 heterozygote, 0 homozygotes). (SP) 0503 - Missense variant consistently predicted to be tolerated by multiple in silico tools or not conserved in placental mammals with a minor amino acid change. (SB) 0600 - Variant is located in the annotated cation_ATPase_N domain (DECIPHER). (I) 0705 - No comparable missense variants have previous evidence for pathogenicity. (I) 0809 - Previous evidence of pathogenicity for this variant is inconclusive. This variant has been classified as a VUS by a diagnostic laboratory in ClinVar. (I) 0905 - No published segregation evidence has been identified for this variant. (I) 1007 - No published functional evidence has been identified for this variant. (I) 1208 - Inheritance information for this variant is not currently available in this individual. (I) Legend: (SP) - Supporting pathogenic, (I) - Information, (SB) - Supporting benign

Literature cited by the submitters: PubMed 19455354 (cited by Victorian Clinical Genetics Services, Murdoch Childrens Research Institute); PubMed 27445835 (cited by Victorian Clinical Genetics Services, Murdoch Childrens Research Institute); PubMed 33880529 (cited by Victorian Clinical Genetics Services, Murdoch Childrens Research Institute).